The following is an entry in ClinVar:

NM_001034850.3(RETREG1):c.1050T>C (p.Phe350=)

Gene: RETREG1 (reticulophagy regulator 1; minus strand). Cytogenetic location: 5p15.1.
Variant type: single nucleotide variant.
Coding change: c.1050T>C on transcript NM_001034850.3 (MANE Select); coding-DNA position 1050, T replaced by C.
Protein change: p.Phe350=; no amino-acid change (phenylalanine 350 retained).
Molecular consequence: synonymous variant.
Genome position (GRCh38, 1-based): chr5:16,475,185, A>G on the plus strand (T>C on the coding strand, the complement: RETREG1 is on the minus strand). VCF-style: chr5-16475185-A-G. GRCh37 (hg19) VCF-style: chr5-16475294-A-G.
Other names: c.627T>C, p.Phe209= (NM_019000.5).
Identifiers: ClinVar variation 4534605 (VCV004534605.6).

ClinVar aggregate classification (germline): Likely benign (1 of 4 stars; one submission).

gnomAD v4.1: 5 of 1,613,562 alleles (0.00031%); highest among the groups gnomAD compares: Non-Finnish European, 0.00042%; no homozygotes.

Submission:

CeGaT Center for Human Genetics Tuebingen
Classification: Likely benign. Last evaluated: 2025-11-01. Review status: criteria provided, single submitter. Criteria: CeGaT Center For Human Genetics Tuebingen Variant Classification Criteria Version 2. Collection method: clinical testing. Allele origin: germline. Affected: yes. Observed: 1 variant allele.
Comment: RETREG1: BP4, BP7